The following is an entry in ClinVar:

NM_003738.5(PTCH2):c.2014G>A (p.Ala672Thr)

Gene: PTCH2 (patched 2; minus strand). Cytogenetic location: 1p34.1.
Variant type: single nucleotide variant.
Coding change: c.2014G>A on transcript NM_003738.5 (MANE Select); coding-DNA position 2014, G replaced by A.
Protein change: p.Ala672Thr; replaces alanine 672 with threonine.
Molecular consequence: missense variant.
Genome position (GRCh38, 1-based): chr1:44,827,887, C>T on the plus strand (G>A on the coding strand, the complement: PTCH2 is on the minus strand). VCF-style: chr1-44827887-C-T. GRCh37 (hg19) VCF-style: chr1-45293559-C-T.
Other names: c.2014G>A, p.Ala672Thr (NM_001166292.2); c.2014G>A (NM_003738.4); short protein forms A672T.
Identifiers: ClinVar variation 1482025 (VCV001482025.9), dbSNP rs145383991, ClinGen allele CA823132.

ClinVar aggregate classification (germline): Uncertain significance. Review status: criteria provided, multiple submitters, no conflicts (2 of 4 stars). 2 submissions from 2 submitters: Uncertain significance (2). Last evaluated 2025-03-12.

Conditions:
Gorlin syndrome. Also called: Nevoid Basal Cell Carcinoma Syndrome; Basal cell nevus syndrome. Identifiers: Orphanet 377, MedGen C0004779, MONDO:0007187.

Allele frequency attached by ClinVar (database versions not stated): ExAC 0.00002; gnomAD 0.00002; TOPMed 0.00002; ESP Exome Variant Server 0.00015.
gnomAD v4.1: 30 of 1,614,048 alleles (0.0019%); highest among the groups gnomAD compares: Non-Finnish European, 0.0024%; no homozygotes.

Submissions (2):

Labcorp Genetics (formerly Invitae), Labcorp
Classification: Uncertain significance for Gorlin syndrome. Last evaluated: 2025-03-12. Review status: criteria provided, single submitter. Criteria: Invitae Variant Classification Sherloc (09022015). Collection method: clinical testing. Allele origin: germline.
Comment: This sequence change replaces alanine, which is neutral and non-polar, with threonine, which is neutral and polar, at codon 672 of the PTCH2 protein (p.Ala672Thr). This variant is present in population databases (rs145383991, gnomAD 0.003%). This variant has not been reported in the literature in individuals affected with PTCH2-related conditions. ClinVar contains an entry for this variant (Variation ID: 1482025). Invitae Evidence Modeling of protein sequence and biophysical properties (such as structural, functional, and spatial information, amino acid conservation, physicochemical variation, residue mobility, and thermodynamic stability) indicates that this missense variant is not expected to disrupt PTCH2 protein function with a negative predictive value of 80%. In summary, the available evidence is currently insufficient to determine the role of this variant in disease. Therefore, it has been classified as a Variant of Uncertain Significance.

Ambry Genetics
Classification: Uncertain significance. Last evaluated: 2024-10-01. Review status: criteria provided, single submitter. Criteria: Ambry Variant Classification Scheme 2023. Collection method: clinical testing. Allele origin: germline.